The following is an entry in ClinVar:

ClinVar aggregate classification (germline): Uncertain significance (1 of 4 stars; one submission).

gnomAD v4.1: 3 of 1,547,394 alleles (0.00019%); highest among the groups gnomAD compares: African/African-American, 0.0041%; no homozygotes.

Submission:

GeneDx
Classification: Uncertain significance. Last evaluated: 2025-07-19. Review status: criteria provided, single submitter. Criteria: GeneDx Variant Classification Process June 2021. Collection method: clinical testing. Allele origin: germline. Affected: yes.
Comment: Not observed at significant frequency in large population cohorts (gnomAD); In silico analysis supports that this missense variant has a deleterious effect on protein structure/function; Has not been previously published as pathogenic or benign to our knowledge

NM_001080421.3(UNC13A):c.4907C>G (p.Ala1636Gly)

Gene: UNC13A (unc-13 homolog A; minus strand). Cytogenetic location: 19p13.11.
Variant type: single nucleotide variant.
Coding change: c.4907C>G on transcript NM_001080421.3 (MANE Select); coding-DNA position 4907, C replaced by G.
Protein change: p.Ala1636Gly; replaces alanine 1636 with glycine.
Molecular consequence: missense variant.
Genome position (GRCh38, 1-based): chr19:17,606,259, G>C on the plus strand (C>G on the coding strand, the complement: UNC13A is on the minus strand). VCF-style: chr19-17606259-G-C. GRCh37 (hg19) VCF-style: chr19-17717068-G-C.
Other names: c.4895C>G, p.Ala1632Gly (NM_001387021.1); c.4892C>G, p.Ala1631Gly (NM_001387022.1); c.4826C>G, p.Ala1609Gly (NM_001387023.1); short protein forms A1609G, A1631G, A1632G, A1636G.
Identifiers: ClinVar variation 4686094 (VCV004686094.1).